The following is an entry in ClinVar:

NM_005236.3(ERCC4):c.1883A>C (p.Glu628Ala)

Gene: ERCC4 (ERCC excision repair 4, endonuclease catalytic subunit; plus strand). Cytogenetic location: 16p13.12.
Variant type: single nucleotide variant.
Coding change: c.1883A>C on transcript NM_005236.3 (MANE Select); coding-DNA position 1883, A replaced by C.
Protein change: p.Glu628Ala; replaces glutamic acid 628 with alanine.
Molecular consequence: missense variant.
Genome position (GRCh38, 1-based): chr16:13,937,837, A>C. VCF-style: chr16-13937837-A-C. GRCh37 (hg19) VCF-style: chr16-14031694-A-C.
Other names: short protein forms E628A.
Identifiers: ClinVar variation 1959956 (VCV001959956.5), dbSNP rs2543184217, ClinGen allele CA394814311.

ClinVar aggregate classification (germline): Uncertain significance (1 of 4 stars; one submission).

Conditions:
Fanconi anemia complementation group Q. Identifiers: Orphanet 84, MedGen C3808988, MONDO:0014108, OMIM 615272.
Xeroderma pigmentosum, group F (XPF). Also called: XERODERMA PIGMENTOSUM, COMPLEMENTATION GROUP F; XERODERMA PIGMENTOSUM, TYPE F; Xeroderma pigmentosum, type 6; XERODERMA PIGMENTOSUM VI; XP, GROUP F; ERCC4-Related Xeroderma Pigmentosum. Identifiers: MedGen C0268140, MONDO:0010215, OMIM 278760.
Cockayne syndrome. Identifiers: Orphanet 191, MedGen C0009207, MONDO:0016006.

Submission:

Labcorp Genetics (formerly Invitae), Labcorp
Classification: Uncertain significance for Fanconi anemia complementation group Q; Xeroderma pigmentosum, group F; Cockayne syndrome. Last evaluated: 2022-08-22. Review status: criteria provided, single submitter. Criteria: Invitae Variant Classification Sherloc (09022015). Collection method: clinical testing. Allele origin: germline.
Comment: In summary, the available evidence is currently insufficient to determine the role of this variant in disease. Therefore, it has been classified as a Variant of Uncertain Significance. Algorithms developed to predict the effect of missense changes on protein structure and function are either unavailable or do not agree on the potential impact of this missense change (SIFT: "Tolerated"; PolyPhen-2: "Possibly Damaging"; Align-GVGD: "Class C0"). This variant has not been reported in the literature in individuals affected with ERCC4-related conditions. This variant is not present in population databases (gnomAD no frequency). This sequence change replaces glutamic acid, which is acidic and polar, with alanine, which is neutral and non-polar, at codon 628 of the ERCC4 protein (p.Glu628Ala).